The following is an entry in ClinVar:

NM_007194.4(CHEK2):c.233_234del (p.Gln78fs)

Gene: CHEK2 (checkpoint kinase 2; minus strand). Cytogenetic location: 22q12.1.
Variant type: Deletion.
Coding change: c.233_234del on transcript NM_007194.4 (MANE Select); coding-DNA positions 233 to 234, 2 bases deleted (AA; older notation c.233_234delAA).
Protein change: p.Gln78fs; shifts the reading frame from glutamine 78.
Molecular consequence: frameshift variant.
Genome position (GRCh38, 1-based): chr22:28,734,488-28,734,489, TT deleted on the plus strand (AA on the coding strand, the reverse complement: CHEK2 is on the minus strand). VCF-style (leftmost placement, unchanged base first): chr22-28734487-CTT-C. GRCh37 (hg19) VCF-style: chr22-29130475-CTT-C.
Other names: c.233_234delAA, p.Gln78Argfs (NM_001005735.3, NM_001349956.3, NM_145862.3); c.-545_-544delAA (NM_001257387.3); short protein forms Q78fs.
Identifiers: ClinVar variation 1074785 (VCV001074785.9), dbSNP rs2146146624, ClinGen allele CA2499226105.

ClinVar aggregate classification (germline): Pathogenic. Review status: criteria provided, multiple submitters, no conflicts (2 of 4 stars). 2 submissions from 2 submitters: Pathogenic (2). Last evaluated 2023-06-23.

Conditions:
Familial cancer of breast. Also called: hereditary breast carcinoma; Hereditary breast cancer; BREAST CANCER, FAMILIAL. Identifiers: Orphanet 227535, MedGen C0346153, MONDO:0016419, OMIM 114480. Disease mechanism: loss of function.

Allele frequency attached by ClinVar (database versions not stated): gnomAD exomes below 0.00001.

Submissions (2):

Myriad Genetics, Inc.
Classification: Pathogenic for Familial cancer of breast. Last evaluated: 2023-06-23. Review status: criteria provided, single submitter. Criteria: Myriad Autosomal Dominant, Autosomal Recessive and X-Linked Classification Criteria (2023). Collection method: clinical testing. Allele origin: unknown.
Comment: This variant is considered pathogenic. This variant creates a frameshift predicted to result in premature protein truncation.

Labcorp Genetics (formerly Invitae), Labcorp
Classification: Pathogenic for Familial cancer of breast. Last evaluated: 2020-10-26. Review status: criteria provided, single submitter. Criteria: Invitae Variant Classification Sherloc (09022015). Collection method: clinical testing. Allele origin: germline.
Comment: For these reasons, this variant has been classified as Pathogenic. This variant has not been reported in the literature in individuals with CHEK2-related conditions. This variant is not present in population databases (ExAC no frequency). This sequence change creates a premature translational stop signal (p.Gln78Argfs*3) in the CHEK2 gene. It is expected to result in an absent or disrupted protein product. Loss-of-function variants in CHEK2 are known to be pathogenic (PMID: 21876083, 24713400).

Literature cited by the submitters: PubMed 21876083 (cited by Labcorp Genetics (formerly Invitae), Labcorp); PubMed 24713400 (cited by Labcorp Genetics (formerly Invitae), Labcorp).